The following is an entry in ClinVar:

ClinVar aggregate classification (germline): Uncertain significance (1 of 4 stars; one submission).

Conditions:
SEMA3F-related disorder. Also called: SEMA3F-related condition.

gnomAD v4.1: 11 of 1,614,124 alleles (0.00068%); highest among the groups gnomAD compares: Admixed American, 0.0033%; no homozygotes.

Submission:

PreventionGenetics, part of Exact Sciences
Classification: Uncertain significance for SEMA3F-related condition. Last evaluated: 2024-12-03. Review status: criteria provided, single submitter. Criteria: ACMG Guidelines, 2015. Collection method: clinical testing. Allele origin: germline.
Comment: The SEMA3F c.1333G>A variant is predicted to result in the amino acid substitution p.Val445Met. To our knowledge, this variant has not been reported in the literature. This variant is reported in 0.0029% of alleles in individuals of Latino descent in gnomAD. At this time, the clinical significance of this variant is uncertain due to the absence of conclusive functional and genetic evidence.

NM_004186.5(SEMA3F):c.1333G>A (p.Val445Met)

Gene: SEMA3F (semaphorin 3F; plus strand). Cytogenetic location: 3p21.31.
Variant type: single nucleotide variant.
Coding change: c.1333G>A on transcript NM_004186.5 (MANE Select); coding-DNA position 1333, G replaced by A.
Protein change: p.Val445Met; replaces valine 445 with methionine.
Molecular consequence: missense variant.
Genome position (GRCh38, 1-based): chr3:50,184,691, G>A. VCF-style: chr3-50184691-G-A. GRCh37 (hg19) VCF-style: chr3-50222124-G-A.
Other names: c.1036G>A, p.Val346Met (NM_001318798.2); c.1240G>A, p.Val414Met (NM_001318800.2); short protein forms V445M, V346M, V414M.
Identifiers: ClinVar variation 4978741 (VCV004978741.1).